The following is an entry in ClinVar:

ClinVar aggregate classification (germline): Uncertain significance (1 of 4 stars; one submission).

Conditions:
Spastic paraplegia. Identifiers: MedGen C0037772, HP:0001258.

Submission:

Labcorp Genetics (formerly Invitae), Labcorp
Classification: Uncertain significance for Spastic paraplegia. Last evaluated: 2020-08-06. Review status: criteria provided, single submitter. Criteria: Invitae Variant Classification Sherloc (09022015). Collection method: clinical testing. Allele origin: germline.
Comment: In summary, the available evidence is currently insufficient to determine the role of this variant in disease. Therefore, it has been classified as a Variant of Uncertain Significance. Advanced modeling of protein sequence and biophysical properties (such as structural, functional, and spatial information, amino acid conservation, physicochemical variation, residue mobility, and thermodynamic stability) performed at Invitae indicates that this missense variant is not expected to disrupt FA2H protein function. This variant has not been reported in the literature in individuals with FA2H-related conditions. This variant is not present in population databases (ExAC no frequency). This sequence change replaces serine with alanine at codon 346 of the FA2H protein (p.Ser346Ala). The serine residue is highly conserved and there is a moderate physicochemical difference between serine and alanine.

NM_024306.5(FA2H):c.1036T>G (p.Ser346Ala)

Gene: FA2H (fatty acid 2-hydroxylase; minus strand). Cytogenetic location: 16q23.1.
Variant type: single nucleotide variant.
Coding change: c.1036T>G on transcript NM_024306.5 (MANE Select); coding-DNA position 1036, T replaced by G.
Protein change: p.Ser346Ala; replaces serine 346 with alanine.
Molecular consequence: missense variant.
Genome position (GRCh38, 1-based): chr16:74,716,350, A>C on the plus strand (T>G on the coding strand, the complement: FA2H is on the minus strand). VCF-style: chr16-74716350-A-C. GRCh37 (hg19) VCF-style: chr16-74750248-A-C.
Other names: short protein forms S346A.
Identifiers: ClinVar variation 1057397 (VCV001057397.9), dbSNP rs2144601409, ClinGen allele CA396768817.